The following is an entry in ClinVar:

NM_001165963.4(SCN1A):c.383+2T>C

Gene: SCN1A (sodium voltage-gated channel alpha subunit 1; minus strand). Cytogenetic location: 2q24.3.
Variant type: single nucleotide variant.
Coding change: c.383+2T>C on transcript NM_001165963.4 (MANE Select); the canonical splice donor site of the intron after coding-DNA position 383, T replaced by C.
Molecular consequence: splice donor variant.
Genome position (GRCh38, 1-based): chr2:166,058,568, A>G on the plus strand (T>C on the coding strand, the complement: SCN1A is on the minus strand). VCF-style: chr2-166058568-A-G. GRCh37 (hg19) VCF-style: chr2-166915078-A-G.
Other names: c.383+2T>C (NM_001353949.2, NM_001353958.2, NM_001353950.2 and 10 more transcripts); c.-2043+2T>C (NM_001353961.2).
Identifiers: ClinVar variation 3367060 (VCV003367060.1).

ClinVar aggregate classification (germline): Likely pathogenic (1 of 4 stars; one submission).

Conditions:
Severe myoclonic epilepsy in infancy (DRVT). Also called: Dravet syndrome; Epileptic encephalopathy, early infantile, 6 (Dravet syndrome); SEVERE MYOCLONIC EPILEPSY OF INFANCY; DEVELOPMENTAL AND EPILEPTIC ENCEPHALOPATHY 6A; Severe Myoclonic Epilepsy in Infancy (SMEI). Identifiers: Orphanet 33069, MedGen C0751122, MONDO:0100135, OMIM 607208.

Submission:

Neuberg Centre For Genomic Medicine, NCGM
Classification: Likely pathogenic for Severe myoclonic epilepsy in infancy. Last evaluated: 2023-05-20. Review status: criteria provided, single submitter. Criteria: ACMG Guidelines, 2015. Collection method: clinical testing. Allele origin: germline. Inheritance: Autosomal dominant inheritance. Affected: yes.
Comment: The splice donor c.383+2T>C variant in the SCN1A gene has not been reported previously as a pathogenic variant nor as a benign variant, to our knowledge. The variant is absent in gnomAD Exomes. The variant affects the GT donor splice site downstream of exon 5. Loss of function variants have been previously reported to be disease causing. For these reasons, this variant has been classified as Likely Pathogenic.